The following is an entry in ClinVar:

ClinVar aggregate classification (germline): Uncertain significance (1 of 4 stars; one submission).

Conditions:
Retinoblastoma (RB1). Also called: RETINOBLASTOMA, SOMATIC. Identifiers: Orphanet 790, MedGen C0035335, MeSH D012175, MONDO:0008380, OMIM 180200, HP:0009919. Disease mechanism: loss of function. Inheritance: Both sporadic and heritable forms are tested..

Allele frequency attached by ClinVar (database versions not stated): TOPMed below 0.00001.

Submission:

Genetic Diagnostic Laboratory, University of Pennsylvania School of Medicine
Classification: Uncertain significance for Retinoblastoma. Last evaluated: 2024-05-20. Review status: criteria provided, single submitter. Criteria: ACMG Guidelines, 2015. Collection method: clinical testing. Allele origin: germline. Affected: yes. Observed: 1 variant allele.
Comment: Case and Pedigree Information: BILATERAL CASES:0, UNILATERAL CASES:1, TOTAL CASES:1, PEDIGREES:1. ACMG Codes Applied:PM2, BP4

NM_000321.3(RB1):c.2714-17C>G

Gene: RB1 (RB transcriptional corepressor 1; plus strand). Cytogenetic location: 13q14.2.
Variant type: single nucleotide variant.
Coding change: c.2714-17C>G on transcript NM_000321.3 (MANE Select); 17 bases into the intron before coding-DNA position 2714, C replaced by G.
Molecular consequence: intron variant. On other transcripts: missense variant (1).
Genome position (GRCh38, 1-based): chr13:48,479,981, C>G. VCF-style: chr13-48479981-C-G. GRCh37 (hg19) VCF-style: chr13-49054117-C-G.
Other names: c.2716C>G, p.Leu906Val (NM_001407165.1); c.164-17C>G (NM_001407168.1); short protein forms L906V.
Identifiers: ClinVar variation 3237113 (VCV003237113.1), dbSNP rs1334219232.